The following is an entry in ClinVar:

ClinVar aggregate classification (germline): Likely pathogenic (1 of 4 stars; one submission).

Conditions:
SYNE1-related disorder. Also called: SYNE1-related disease; SYNE1-related condition; SYNE1-related disorders.

Submission:

PreventionGenetics, part of Exact Sciences
Classification: Likely pathogenic for SYNE1-related condition. Last evaluated: 2026-09-04. Review status: criteria provided, single submitter. Criteria: ACMG Guidelines, 2015. Collection method: clinical testing. Allele origin: germline.
Comment: The SYNE1 c.4289_4292delTCAA variant is predicted to result in a frameshift and premature protein termination (p.Ile1430Lysfs*7). To our knowledge, this variant has not been reported in the literature or in a large population database (gnomAD), indicating this variant is rare. Frameshift variants in SYNE1 are expected to be pathogenic. This variant is interpreted as likely pathogenic.

NM_182961.4(SYNE1):c.4268_4271del (p.Ile1423fs)

Gene: SYNE1 (spectrin repeat containing nuclear envelope protein 1; minus strand). Cytogenetic location: 6q25.2.
Variant type: Microsatellite.
Coding change: c.4268_4271del on transcript NM_182961.4 (MANE Select); coding-DNA positions 4268 to 4271, 4 bases deleted (TCAA; older notation c.4268_4271delTCAA).
Protein change: p.Ile1423fs; shifts the reading frame from isoleucine 1423.
Molecular consequence: frameshift variant.
Genome position (GRCh38, 1-based): chr6:152,435,980-152,435,983, TTGA deleted on the plus strand (TCAA on the coding strand, the reverse complement: SYNE1 is on the minus strand); deleting any 4 consecutive bases within chr6:152,435,980-152,435,987 gives the same sequence; the c. name uses the placement nearest the transcript's 3' end. VCF-style (leftmost placement, unchanged base first): chr6-152435979-TTTGA-T. GRCh37 (hg19) VCF-style: chr6-152757114-TTTGA-T.
Other names: c.4285_4288TCAA[1], p.Ile1430Lysfs (NM_033071.3); c.4289_4292del, p.Ile1430fs (NM_033071.5); c.4289_4292delTCAA (NM_033071.3); short protein forms I1423fs, I1430fs.
Identifiers: ClinVar variation 4994178 (VCV004994178.1).